The following is an entry in ClinVar:

NM_003054.6(SLC18A2):c.216dup (p.Asp73fs)

Gene: SLC18A2 (solute carrier family 18 member A2; plus strand). Cytogenetic location: 10q25.3.
Variant type: Duplication.
Coding change: c.216dup on transcript NM_003054.6 (MANE Select); coding-DNA position 216, one base duplicated (A; older notation c.216dupA).
Protein change: p.Asp73fs; shifts the reading frame from aspartic acid 73.
Molecular consequence: frameshift variant.
Genome position (GRCh38, 1-based): chr10:117,244,065, A duplicated. VCF-style (leftmost placement, unchanged base first): chr10-117244064-C-CA. GRCh37 (hg19) VCF-style: chr10-119003575-C-CA.
Other names: 1-BP DUP, 216A (1265323526); c.216dupA (NM_003054.6); short protein forms D73fs.
Identifiers: ClinVar variation 1919082 (VCV001919082.6), dbSNP rs1265323526, ClinGen allele CA596576639.
Genomic context (GRCh38, chr10:117,244,064, plus strand): 5'-AGCATGAGAAGAATGCTACAGAAATCCAGACGGCCAGGCCAGTGCACACTGCCTCCATCT[C>CA]AGACAGCTTCCAGAGCATCTTCTCCTATTATGATAACTCGACTATGGTCACCGGGAATGC-3'

ClinVar aggregate classification (germline): Pathogenic. Review status: criteria provided, single submitter (1 of 4 stars). 2 submissions from 2 submitters: Pathogenic (1). 1 of the submissions does not count toward it. Last evaluated 2022-10-26.

Conditions:
Brain dopamine-serotonin vesicular transport disease (PKDYS2). Also called: PARKINSONISM-DYSTONIA, INFANTILE, 2; PARKINSONISM-DYSTONIA 2, INFANTILE-ONSET; BRAIN MONOAMINE VESICULAR TRANSPORT DISEASE. Identifiers: Orphanet 352649, MedGen C4303546, MONDO:0018130, OMIM 618049.

Allele frequency attached by ClinVar (database versions not stated): gnomAD exomes 0.00001; TOPMed 0.00009; gnomAD 0.00012.

Submissions (2):

Labcorp Genetics (formerly Invitae), Labcorp
Classification: Pathogenic. Last evaluated: 2022-10-26. Review status: criteria provided, single submitter. Criteria: Invitae Variant Classification Sherloc (09022015). Collection method: clinical testing. Allele origin: germline.
Comment: For these reasons, this variant has been classified as Pathogenic. This variant has not been reported in the literature in individuals affected with SLC18A2-related conditions. This variant is present in population databases (no rsID available, gnomAD 0.02%). This sequence change creates a premature translational stop signal (p.Asp73Argfs*11) in the SLC18A2 gene. It is expected to result in an absent or disrupted protein product. Loss-of-function variants in SLC18A2 are known to be pathogenic (PMID: 26539891, 31618753).

OMIM
Classification: Pathogenic for PARKINSONISM-DYSTONIA, INFANTILE, 2. Last evaluated: 2023-12-11. Review status: no assertion criteria provided. Collection method: literature only. Allele origin: germline. Not counted in ClinVar's aggregate classification.

Literature cited by the submitters: PubMed 26539891 (cited by Labcorp Genetics (formerly Invitae), Labcorp); PubMed 31618753 (cited by Labcorp Genetics (formerly Invitae), Labcorp); Saida, K., Maroofian, R., Sengoku, T., Mitani, T., Pagnamenta, A. T., Marafi, D., Zaki, M. S., O'Brien, T. J., Karimiani, E. G., Kaiyrzhanov, R., Takizawa, M., Ohori, S., and 75 others Brain monoamine vesicular transport disease caused by homozygous SLC18A2 variants: a study in 42 affected individuals. Genet. Med. 25: 90-102, 2023. (cited by OMIM).